The following is an entry in ClinVar:

NM_152906.7(TANGO2):c.257G>A (p.Arg86Gln)

Gene: TANGO2 (transport and golgi organization 2 homolog; plus strand). Cytogenetic location: 22q11.21.
Variant type: single nucleotide variant.
Coding change: c.257G>A on transcript NM_152906.7 (MANE Select); coding-DNA position 257, G replaced by A.
Protein change: p.Arg86Gln; replaces arginine 86 with glutamine.
Molecular consequence: missense variant. On other transcripts: synonymous variant (12), non-coding transcript variant (5).
Genome position (GRCh38, 1-based): chr22:20,052,576, G>A. VCF-style: chr22-20052576-G-A. GRCh37 (hg19) VCF-style: chr22-20040099-G-A.
Other names: c.257G>A, p.Arg86Gln (NM_001283106.3, NM_001283116.3, NM_001283148.3 and 10 more transcripts); c.380G>A, p.Arg127Gln (NM_001283129.3, NM_001283215.3, NM_001322141.2 and 5 more transcripts); c.78G>A, p.Pro26= (NM_001283235.3, NM_001322146.2, NM_001322148.2 and 9 more transcripts); short protein forms R86Q, R127Q.
Identifiers: ClinVar variation 1919594 (VCV001919594.2), dbSNP rs764219300, ClinGen allele CA10106245.

ClinVar aggregate classification (germline): Uncertain significance (1 of 4 stars; one submission).

Allele frequency attached by ClinVar (database versions not stated): gnomAD exomes below 0.00001; ExAC 0.00003.
gnomAD v4.1: 5 of 1,572,304 alleles (0.00032%); highest among the groups gnomAD compares: East Asian, 0.0023%; no homozygotes.

Submission:

Labcorp Genetics (formerly Invitae), Labcorp
Classification: Uncertain significance. Last evaluated: 2022-02-01. Review status: criteria provided, single submitter. Criteria: Invitae Variant Classification Sherloc (09022015). Collection method: clinical testing. Allele origin: germline.
Comment: This sequence change replaces arginine, which is basic and polar, with glutamine, which is neutral and polar, at codon 86 of the TANGO2 protein (p.Arg86Gln). The frequency data for this variant in the population databases is considered unreliable, as metrics indicate poor data quality at this position in the gnomAD database. This variant has not been reported in the literature in individuals affected with TANGO2-related conditions. Algorithms developed to predict the effect of missense changes on protein structure and function are either unavailable or do not agree on the potential impact of this missense change (SIFT: "Not Available"; PolyPhen-2: "Benign"; Align-GVGD: "Not Available"). In summary, the available evidence is currently insufficient to determine the role of this variant in disease. Therefore, it has been classified as a Variant of Uncertain Significance.